The following is an entry in ClinVar:

ClinVar aggregate classification (germline): Benign. Review status: criteria provided, multiple submitters, no conflicts (2 of 4 stars). 11 submissions from 11 submitters: Benign (7). 4 of the submissions do not count toward it. Last evaluated 2026-02-02.

Conditions:
CBS-related disorder. Also called: CBS-related condition.
Connective tissue disorder. Also called: Connective tissue disease. Identifiers: MedGen C0009782, MONDO:0003900.
Familial thoracic aortic aneurysm and aortic dissection (TAAD). Also called: Thoracic aortic aneurysms and dissections. Identifiers: Orphanet 91387, MedGen C4707243, MONDO:0019625.
Classic homocystinuria. Also called: Homocystinuria due to Cystathionine Beta-Synthase Deficiency; Homocystinuria due to CBS deficiency; Cystathionine beta-synthase deficiency; CBS deficiency; HOMOCYSTINURIA WITH OR WITHOUT RESPONSE TO PYRIDOXINE. Identifiers: Orphanet 394, MedGen C0751202, MONDO:0009352, OMIM 236200.
HYPERHOMOCYSTEINEMIA, THROMBOTIC, CBS-RELATED. Identifiers: MedGen C3150344, OMIM 236200.

Allele frequency attached by ClinVar (database versions not stated): ESP Exome Variant Server 0.00008; gnomAD 0.00068; gnomAD exomes 0.00194; 1000 Genomes Project 30x 0.00250; 1000 Genomes Project 0.00300.

Submissions (11):

Labcorp Genetics (formerly Invitae), Labcorp
Classification: Benign for HYPERHOMOCYSTEINEMIA, THROMBOTIC, CBS-RELATED. Last evaluated: 2026-02-02. Review status: criteria provided, single submitter. Criteria: Invitae Variant Classification Sherloc (09022015). Collection method: clinical testing. Allele origin: germline.

ARUP Laboratories, Molecular Genetics and Genomics, ARUP Laboratories
Classification: Benign. Last evaluated: 2023-10-02. Review status: criteria provided, single submitter. Criteria: ARUP Molecular Germline Variant Investigation Process 2024. Collection method: clinical testing. Allele origin: germline.

Genome Diagnostics Laboratory, The Hospital for Sick Children
Classification: Benign for Connective tissue disorder. Last evaluated: 2019-05-01. Review status: criteria provided, single submitter. Criteria: ACMG Guidelines, 2015. Collection method: clinical testing. Allele origin: germline.

Women's Health and Genetics/Laboratory Corporation of America, LabCorp
Classification: Benign. Last evaluated: 2018-08-20. Review status: criteria provided, single submitter. Criteria: LabCorp Variant Classification Summary - May 2015. Collection method: clinical testing. Allele origin: germline.
Comment: Variant summary: CBS c.636C>T alters a non-conserved nucleotide resulting in a synonymous change. 5/5 computational tools predict no significant impact on normal splicing. However, these predictions have yet to be confirmed by functional studies. The variant allele was found at a frequency of 0.0012 in 275734 control chromosomes, predominantly at a frequency of 0.015 within the East Asian subpopulation in the gnomAD database, including 7 homozygotes. The observed variant frequency within East Asian control individuals in the gnomAD database is approximately 5-fold of the estimated maximal expected allele frequency for a pathogenic variant in CBS causing Homocystinuria phenotype (0.003), strongly suggesting that the variant is a benign polymorphism found primarily in populations of East Asian origin. The variant, c.636C>T, has not been reported in the literature in individuals affected with Homocystinuria. To our knowledge, no experimental evidence demonstrating an impact on protein function has been reported. Three clinical diagnostic laboratories have submitted clinical-significance assessments for this variant to ClinVar after 2014 without evidence for independent evaluation (VUS x1, benign x2). Based on the evidence outlined above, the variant was classified as benign.

Illumina Laboratory Services, Illumina
Classification: Benign for Classic homocystinuria. Last evaluated: 2018-01-13. Review status: criteria provided, single submitter. Criteria: ICSL Variant Classification Criteria 13 December 2019. Collection method: clinical testing. Allele origin: germline.
Comment: This variant was observed in the ICSL laboratory as part of a predisposition screen in an ostensibly healthy population. It had not been previously curated by ICSL or reported in the Human Gene Mutation Database (HGMD: prior to June 1st, 2018), and was therefore a candidate for classification through an automated scoring system. Utilizing variant allele frequency, disease prevalence and penetrance estimates, and inheritance mode, an automated score was calculated to assess if this variant is too frequent to cause the disease. Based on the score and internal cut-off values, a variant classified as benign is not then subjected to further curation. The score for this variant resulted in a classification of benign for this disease.

Ambry Genetics
Classification: Benign for Familial thoracic aortic aneurysm and aortic dissection. Last evaluated: 2016-01-25. Review status: criteria provided, single submitter. Criteria: Ambry Variant Classification Scheme 2023. Collection method: clinical testing. Allele origin: germline.

GeneDx
Classification: Benign. Last evaluated: 2013-12-11. Review status: criteria provided, single submitter. Criteria: GeneDx Variant Classification (06012015). Collection method: clinical testing. Allele origin: germline. Affected: yes.
Comment: This variant is considered likely benign or benign based on one or more of the following criteria: it is a conservative change, it occurs at a poorly conserved position in the protein, it is predicted to be benign by multiple in silico algorithms, and/or has population frequency not consistent with disease.

Natera, Inc.
Classification: Benign for Homocystinuria due to cystathionine beta-synthase deficiency. Last evaluated: 2020-09-16. Review status: no assertion criteria provided. Collection method: clinical testing. Allele origin: germline. Not counted in ClinVar's aggregate classification.

PreventionGenetics, part of Exact Sciences
Classification: Benign for CBS-related condition. Last evaluated: 2019-08-13. Review status: no assertion criteria provided. Collection method: clinical testing. Allele origin: germline. Not counted in ClinVar's aggregate classification.
Comment: This variant is classified as benign based on ACMG/AMP sequence variant interpretation guidelines (Richards et al. 2015 PMID: 25741868, with internal and published modifications).

Clinical Genetics DNA and cytogenetics Diagnostics Lab, Erasmus MC, Erasmus Medical Center
Classification: Benign. Review status: no assertion criteria provided. Collection method: clinical testing. Allele origin: germline. Affected: yes. Study: VKGL Data-share Consensus. Not counted in ClinVar's aggregate classification.

Laboratory of Diagnostic Genome Analysis, Leiden University Medical Center (LUMC)
Classification: Benign. Review status: no assertion criteria provided. Collection method: clinical testing. Allele origin: germline. Affected: yes. Study: VKGL Data-share Consensus. Not counted in ClinVar's aggregate classification.

Literature cited by the submitters: PubMed 15494741 (cited by Women's Health and Genetics/Laboratory Corporation of America, LabCorp).

NM_000071.3(CBS):c.636C>T (p.Asn212=)

Gene: CBS (cystathionine beta-synthase; minus strand). Cytogenetic location: 21q22.3.
Variant type: single nucleotide variant.
Coding change: c.636C>T on transcript NM_000071.3 (MANE Select); coding-DNA position 636, C replaced by T.
Protein change: p.Asn212=; no amino-acid change (asparagine 212 retained).
Molecular consequence: synonymous variant.
Genome position (GRCh38, 1-based): chr21:43,065,417, G>A on the plus strand (C>T on the coding strand, the complement: CBS is on the minus strand). VCF-style: chr21-43065417-G-A. GRCh37 (hg19) VCF-style: chr21-44485527-G-A.
Other names: p.N212N:AAC>AAT; c.636C>T, p.Asn212= (NM_001178008.3, NM_001178009.3, NM_001320298.2); c.321C>T, p.Asn107= (NM_001321072.1).
Identifiers: ClinVar variation 136668 (VCV000136668.29), dbSNP rs2298758, ClinGen allele CA289972.